The following is an entry in ClinVar:

NM_000051.4(ATM):c.1494G>A (p.Glu498=)

Gene: ATM (ATM serine/threonine kinase; plus strand). Cytogenetic location: 11q22.3.
Variant type: single nucleotide variant.
Coding change: c.1494G>A on transcript NM_000051.4 (MANE Select); coding-DNA position 1494, G replaced by A.
Protein change: p.Glu498=; no amino-acid change (glutamic acid 498 retained).
Molecular consequence: synonymous variant.
Genome position (GRCh38, 1-based): chr11:108,250,959, G>A. VCF-style: chr11-108250959-G-A. GRCh37 (hg19) VCF-style: chr11-108121686-G-A.
Other names: c.1494G>A, p.Glu498= (NM_001351834.2).
Identifiers: ClinVar variation 481199 (VCV000481199.48), dbSNP rs763108858, ClinGen allele CA6264820.

ClinVar aggregate classification (germline): Benign/Likely benign. Review status: criteria provided, multiple submitters, no conflicts (2 of 4 stars). 9 submissions from 9 submitters: Benign (2); Likely benign (6). 1 of the submissions does not count toward it. Last evaluated 2026-01-28.

Conditions:
ATM-related disorder. Also called: ATM-related disorders; ATM-related condition.
Hereditary cancer-predisposing syndrome. Also called: Hereditary neoplastic syndrome; Tumor predisposition; Neoplastic Syndromes, Hereditary; Hereditary Cancer Syndrome. Identifiers: Orphanet 140162, MedGen C0027672, MeSH D009386, MONDO:0015356.
Ataxia-telangiectasia syndrome (AT). Also called: ATAXIA-TELANGIECTASIA, COMPLEMENTATION GROUP A; ATAXIA-TELANGIECTASIA, FRESNO VARIANT; Ataxia-telangiectasia; Cerebello-oculocutaneous telangiectasia; Immunodeficiency with ataxia telangiectasia; Ataxia telangiectasia (A-T). Identifiers: Orphanet 100, MedGen C0004135, MONDO:0008840, OMIM 208900.
Familial cancer of breast. Also called: Hereditary breast cancer; hereditary breast carcinoma; BREAST CANCER, FAMILIAL. Identifiers: Orphanet 227535, MedGen C0346153, MONDO:0016419, OMIM 114480. Disease mechanism: loss of function.

Allele frequency attached by ClinVar (database versions not stated): TOPMed below 0.00001; gnomAD 0.00001; gnomAD exomes 0.00001 and 0.00002; ExAC 0.00002.
gnomAD v4.1: 18 of 1,614,032 alleles (0.0011%); highest among the groups gnomAD compares: Non-Finnish European, 0.0015%; no homozygotes.

Submissions (9):

Labcorp Genetics (formerly Invitae), Labcorp
Classification: Likely benign for Ataxia-telangiectasia syndrome. Last evaluated: 2026-01-28. Review status: criteria provided, single submitter. Criteria: Invitae Variant Classification Sherloc (09022015). Collection method: clinical testing. Allele origin: germline.

Blueprint Genetics
Classification: Likely benign. Last evaluated: 2024-06-25. Review status: criteria provided, single submitter. Criteria: ACMG Guidelines, 2015. Collection method: clinical testing. Allele origin: germline.

Myriad Genetics, Inc.
Classification: Benign for Familial cancer of breast. Last evaluated: 2024-04-29. Review status: criteria provided, single submitter. Criteria: Myriad Autosomal Dominant, Autosomal Recessive and X-Linked Classification Criteria (2023). Collection method: clinical testing. Allele origin: unknown.
Comment: This variant is considered benign. This variant is a silent/synonymous amino acid change and it is not expected to impact splicing.

CeGaT Center for Human Genetics Tuebingen
Classification: Likely benign. Last evaluated: 2023-11-01. Review status: criteria provided, single submitter. Criteria: CeGaT Center For Human Genetics Tuebingen Variant Classification Criteria Version 2. Collection method: clinical testing. Allele origin: germline. Affected: yes. Observed: 1 variant allele.
Comment: ATM: BP4, BP7

Department of Pathology and Laboratory Medicine, Sinai Health System
Classification: Likely benign for Familial cancer of breast. Last evaluated: 2023-09-25. Review status: criteria provided, single submitter. Criteria: ACMG Guidelines, 2015. Collection method: clinical testing. Allele origin: germline. Affected: yes.

Color Diagnostics, LLC DBA Color Health
Classification: Likely benign for Hereditary cancer-predisposing syndrome. Last evaluated: 2017-10-26. Review status: criteria provided, single submitter. Criteria: ACMG Guidelines, 2015. Collection method: clinical testing. Allele origin: germline.

Ambry Genetics
Classification: Likely benign for Hereditary cancer-predisposing syndrome. Last evaluated: 2015-08-19. Review status: criteria provided, single submitter. Criteria: Ambry Variant Classification Scheme 2023. Collection method: clinical testing. Allele origin: germline.

GeneDx
Classification: Benign. Last evaluated: 2015-04-10. Review status: criteria provided, single submitter. Criteria: GeneDx Variant Classification Process June 2021. Collection method: clinical testing. Allele origin: germline. Affected: yes.

PreventionGenetics, part of Exact Sciences
Classification: Likely benign for ATM-related condition. Last evaluated: 2020-04-13. Review status: no assertion criteria provided. Collection method: clinical testing. Allele origin: germline. Not counted in ClinVar's aggregate classification.
Comment: This variant is classified as likely benign based on ACMG/AMP sequence variant interpretation guidelines (Richards et al. 2015 PMID: 25741868, with internal and published modifications).